The following is an entry in ClinVar:

ClinVar aggregate classification (germline): Uncertain significance (1 of 4 stars; one submission).

Conditions:
Developmental and epileptic encephalopathy, 37 (DEE37). Also called: Epileptic encephalopathy, early infantile, 37. Identifiers: MedGen C4310770, MONDO:0014859, OMIM 616981.

Allele frequency attached by ClinVar (database versions not stated): gnomAD exomes 0.00001.

Submission:

Labcorp Genetics (formerly Invitae), Labcorp
Classification: Uncertain significance for Developmental and epileptic encephalopathy, 37. Last evaluated: 2021-02-18. Review status: criteria provided, single submitter. Criteria: Invitae Variant Classification Sherloc (09022015). Collection method: clinical testing. Allele origin: germline.
Comment: In summary, the available evidence is currently insufficient to determine the role of this variant in disease. Therefore, it has been classified as a Variant of Uncertain Significance. Algorithms developed to predict the effect of missense changes on protein structure and function are either unavailable or do not agree on the potential impact of this missense change (SIFT: "Deleterious"; PolyPhen-2: "Not Available"; Align-GVGD: "Class C0"). This variant has not been reported in the literature in individuals with FRRS1L-related conditions. The frequency data for this variant in the population databases is considered unreliable, as metrics indicate insufficient coverage at this position in the ExAC database. This sequence change replaces tryptophan with serine at codon 44 of the FRRS1L protein (p.Trp44Ser). The tryptophan residue is weakly conserved and there is a large physicochemical difference between tryptophan and serine.

NM_014334.4(FRRS1L):c.-23G>C

Gene: FRRS1L (ferric chelate reductase 1 like; minus strand). Cytogenetic location: 9q31.3.
Variant type: single nucleotide variant.
Coding change: c.-23G>C on transcript NM_014334.4 (MANE Select); 23 bases upstream of the start codon, G replaced by C.
Molecular consequence: 5 prime UTR variant.
Genome position (GRCh38, 1-based): chr9:109,167,161, C>G on the plus strand (G>C on the coding strand, the complement: FRRS1L is on the minus strand). VCF-style: chr9-109167161-C-G. GRCh37 (hg19) VCF-style: chr9-111929441-C-G.
Identifiers: ClinVar variation 1511721 (VCV001511721.8), dbSNP rs2118524098, ClinGen allele CA374430798.